The following is an entry in ClinVar:

ClinVar aggregate classification (germline): Benign/Likely benign. Review status: criteria provided, multiple submitters, no conflicts (2 of 4 stars). 2 submissions from 2 submitters: Benign (1); Likely benign (1). Last evaluated 2024-07-16.

Conditions:
Hereditary cancer-predisposing syndrome. Also called: Hereditary Cancer Syndrome; Hereditary neoplastic syndrome; Neoplastic Syndromes, Hereditary; Tumor predisposition. Identifiers: Orphanet 140162, MedGen C0027672, MeSH D009386, MONDO:0015356.
BAP1-related tumor predisposition syndrome (TPDS1). Also called: COMMON Syndrome; TUMOR PREDISPOSITION SYNDROME 1; BAP1 tumor predisposition syndrome; Tumor susceptibility linked to germline BAP1 mutations. Identifiers: Orphanet 289539, MedGen C3280492, MONDO:0013692, OMIM 614327.

Submissions (2):

Myriad Genetics, Inc.
Classification: Benign for BAP1-related tumor predisposition syndrome. Last evaluated: 2024-07-16. Review status: criteria provided, single submitter. Criteria: Myriad Autosomal Dominant, Autosomal Recessive and X-Linked Classification Criteria (2023). Collection method: clinical testing. Allele origin: unknown.
Comment: This variant is considered benign. This variant is a silent/synonymous amino acid change and it is not expected to impact splicing.

Ambry Genetics
Classification: Likely benign for Hereditary cancer-predisposing syndrome. Last evaluated: 2021-10-09. Review status: criteria provided, single submitter. Criteria: Ambry Variant Classification Scheme 2023. Collection method: clinical testing. Allele origin: germline.

NM_004656.4(BAP1):c.1392C>T (p.Ser464=)

Gene: BAP1 (BRCA1 associated deubiquitinase 1; minus strand). Cytogenetic location: 3p21.1.
Variant type: single nucleotide variant.
Coding change: c.1392C>T on transcript NM_004656.4 (MANE Select); coding-DNA position 1392, C replaced by T.
Protein change: p.Ser464=; no amino-acid change (serine 464 retained).
Molecular consequence: synonymous variant.
Genome position (GRCh38, 1-based): chr3:52,403,753, G>A on the plus strand (C>T on the coding strand, the complement: BAP1 is on the minus strand). VCF-style: chr3-52403753-G-A. GRCh37 (hg19) VCF-style: chr3-52437769-G-A.
Other names: c.1338C>T, p.Ser446= (NM_001410772.1).
Identifiers: ClinVar variation 1771575 (VCV001771575.3), dbSNP rs2153226738, ClinGen allele CA433886349.